The following is an entry in ClinVar:

NM_000138.5(FBN1):c.1035C>A (p.Cys345Ter)

Genes: FBN1 (fibrillin 1; minus strand), LOC113939944 (Sharpr-MPRA regulatory region 9539; plus strand). Cytogenetic location: 15q21.1.
Variant type: single nucleotide variant.
Coding change: c.1035C>A on transcript NM_000138.5 (MANE Select); coding-DNA position 1035, C replaced by A.
Protein change: p.Cys345Ter; replaces cysteine 345 with a stop codon.
Molecular consequence: nonsense.
Genome position (GRCh38, 1-based): chr15:48,520,771, G>T on the plus strand (C>A on the coding strand, the complement: FBN1 is on the minus strand). VCF-style: chr15-48520771-G-T. GRCh37 (hg19) VCF-style: chr15-48812968-G-T.
Other names: short protein forms C345*.
Identifiers: ClinVar variation 658857 (VCV000658857.8), dbSNP rs1597584082, ClinGen allele CA392347806.

ClinVar aggregate classification (germline): Pathogenic (1 of 4 stars; one submission).

Conditions:
Familial thoracic aortic aneurysm and aortic dissection (TAAD). Also called: Thoracic aortic aneurysms and dissections. Identifiers: Orphanet 91387, MedGen C4707243, MONDO:0019625.
Marfan syndrome (MFS). Also called: FBN1-Related Marfan Syndrome; Marfan syndrome type 1; Marfan's syndrome; Marfan syndrome, classic; MARFAN SYNDROME, TYPE I. Identifiers: Orphanet 284963, Orphanet 558, MedGen C0024796, MONDO:0007947, OMIM 154700.

Submission:

Labcorp Genetics (formerly Invitae), Labcorp
Classification: Pathogenic for Marfan syndrome; Familial thoracic aortic aneurysm and aortic dissection. Last evaluated: 2018-10-06. Review status: criteria provided, single submitter. Criteria: Invitae Variant Classification Sherloc (09022015). Collection method: clinical testing. Allele origin: germline.
Comment: This variant is not present in population databases (ExAC no frequency). This variant has been observed in an individual affected with Marfan syndrome (PMID: 19293843). Loss-of-function variants in FBN1 are known to be pathogenic (PMID: 17657824, 19293843). For these reasons, this variant has been classified as Pathogenic. This sequence change creates a premature translational stop signal (p.Cys345*) in the FBN1 gene. It is expected to result in an absent or disrupted protein product.

Literature cited by the submitters: PubMed 19293843; PubMed 17657824.